The following is an entry in ClinVar:

ClinVar aggregate classification (germline): Uncertain significance (1 of 4 stars; one submission).

Allele frequency attached by ClinVar (database versions not stated): gnomAD 0.00001; ESP Exome Variant Server 0.00008; TOPMed below 0.00001; ExAC 0.00001.
gnomAD v4.1: 25 of 1,604,490 alleles (0.0016%); highest among the groups gnomAD compares: African/African-American, 0.004%; no homozygotes.

Submission:

Labcorp Genetics (formerly Invitae), Labcorp
Classification: Uncertain significance. Last evaluated: 2026-01-24. Review status: criteria provided, single submitter. Criteria: Invitae Variant Classification Sherloc (09022015). Collection method: clinical testing. Allele origin: germline.
Comment: This sequence change replaces arginine, which is basic and polar, with cysteine, which is neutral and slightly polar, at codon 980 of the MYO6 protein (p.Arg980Cys). The frequency data for this variant in the population databases is considered unreliable, as metrics indicate poor data quality at this position in the gnomAD database. This variant has not been reported in the literature in individuals affected with MYO6-related conditions. ClinVar contains an entry for this variant (Variation ID: 2721154). Invitae Evidence Modeling of protein sequence and biophysical properties (such as structural, functional, and spatial information, amino acid conservation, physicochemical variation, residue mobility, and thermodynamic stability) indicates that this missense variant is not expected to disrupt MYO6 protein function with a negative predictive value of 80%. In summary, the available evidence is currently insufficient to determine the role of this variant in disease. Therefore, it has been classified as a Variant of Uncertain Significance.

NM_004999.4(MYO6):c.2938C>T (p.Arg980Cys)

Gene: MYO6 (myosin VI; plus strand). Cytogenetic location: 6q14.1.
Variant type: single nucleotide variant.
Coding change: c.2938C>T on transcript NM_004999.4 (MANE Select); coding-DNA position 2938, C replaced by T.
Protein change: p.Arg980Cys; replaces arginine 980 with cysteine.
Molecular consequence: missense variant. On other transcripts: non-coding transcript variant (1).
Genome position (GRCh38, 1-based): chr6:75,891,298, C>T. VCF-style: chr6-75891298-C-T. GRCh37 (hg19) VCF-style: chr6-76601015-C-T.
Other names: c.2938C>T, p.Arg980Cys (NM_001300899.2, NM_001368136.1, NM_001368137.1 and 2 more transcripts); c.2923C>T, p.Arg975Cys (NM_001368138.1); short protein forms R975C, R980C.
Identifiers: ClinVar variation 2721154 (VCV002721154.3), dbSNP rs371006216, ClinGen allele CA3897492.